The following is an entry in ClinVar:

ClinVar aggregate classification (germline): Benign. Review status: criteria provided, multiple submitters, no conflicts (2 of 4 stars). 2 submissions from 2 submitters: Benign (2). Last evaluated 2026-01-26.

Conditions:
Vitreoretinopathy. Also called: Vitreoretinal degeneration. Identifiers: MedGen C0344290, MONDO:0020248, HP:0007773.

Allele frequency attached by ClinVar (database versions not stated): gnomAD 0.00160 and 0.00239; gnomAD exomes 0.00235 and 0.00476; TOPMed 0.00264; ExAC 0.00469; 1000 Genomes Project 30x 0.01046; 1000 Genomes Project 0.01098.
gnomAD v4.1: 3,772 of 1,613,988 alleles (0.23%); highest among the groups gnomAD compares: East Asian, 7.1%; 138 homozygotes.

Submissions (2):

Labcorp Genetics (formerly Invitae), Labcorp
Classification: Benign. Last evaluated: 2026-01-26. Review status: criteria provided, single submitter. Criteria: Invitae Variant Classification Sherloc (09022015). Collection method: clinical testing. Allele origin: germline.

Illumina Laboratory Services, Illumina
Classification: Benign for Vitreoretinopathy. Last evaluated: 2018-01-13. Review status: criteria provided, single submitter. Criteria: ICSL Variant Classification Criteria 13 December 2019. Collection method: clinical testing. Allele origin: germline.
Comment: This variant was observed in the ICSL laboratory as part of a predisposition screen in an ostensibly healthy population. It had not been previously curated by ICSL or reported in the Human Gene Mutation Database (HGMD: prior to June 1st, 2018), and was therefore a candidate for classification through an automated scoring system. Utilizing variant allele frequency, disease prevalence and penetrance estimates, and inheritance mode, an automated score was calculated to assess if this variant is too frequent to cause the disease. Based on the score and internal cut-off values, a variant classified as benign is not then subjected to further curation. The score for this variant resulted in a classification of benign for this disease.

NM_004385.5(VCAN):c.7743T>C (p.Asp2581=)

Genes: VCAN (versican; plus strand), VCAN-AS1 (VCAN antisense RNA 1; minus strand). Cytogenetic location: 5q14.3.
Variant type: single nucleotide variant.
Coding change: c.7743T>C on transcript NM_004385.5 (MANE Select); coding-DNA position 7743, T replaced by C.
Protein change: p.Asp2581=; no amino-acid change (aspartic acid 2581 retained).
Molecular consequence: synonymous variant. On other transcripts: intron variant (2).
Genome position (GRCh38, 1-based): chr5:83,540,746, T>C. VCF-style: chr5-83540746-T-C. GRCh37 (hg19) VCF-style: chr5-82836565-T-C.
Other names: c.4782T>C, p.Asp1594= (NM_001164097.2); c.4004-4791T>C (NM_001164098.2); c.1043-4791T>C (NM_001126336.3).
Identifiers: ClinVar variation 354448 (VCV000354448.16), dbSNP rs75771891, ClinGen allele CA3333687.
Genomic context (GRCh38, chr5:83,540,746, plus strand): 5'-TACCATCCTTGAAATTCTACCTGAGCTGACATCGGATAAAAATACTATCATAGATATTGA[T>C]CATACTAAACCTGTGTATGAAGACATTCTTGGAATGCAAACAGATATAGATACAGAGGTA-3'
Protein context (NP_004376.2, residues 2571-2591): TSDKNTIIDI[Asp2581=]HTKPVYEDIL